The following is an entry in ClinVar:

NM_020921.4(NIN):c.2137_2139del (p.Thr713del)

Gene: NIN (ninein; minus strand). Cytogenetic location: 14q22.1.
Variant type: Deletion.
Coding change: c.2137_2139del on transcript NM_020921.4 (MANE Select); coding-DNA positions 2137 to 2139, 3 bases deleted (ACT; older notation c.2137_2139delACT).
Protein change: p.Thr713del; deletes threonine 713.
Molecular consequence: inframe deletion.
Genome position (GRCh38, 1-based): chr14:50,760,117-50,760,119, AGT deleted on the plus strand (ACT on the coding strand, the reverse complement: NIN is on the minus strand). VCF-style (leftmost placement, unchanged base first): chr14-50760116-GAGT-G. GRCh37 (hg19) VCF-style: chr14-51226834-GAGT-G.
Other names: c.2137_2139del, p.Thr713del (NM_016350.5, NM_182944.3, NM_182946.2); short protein forms T713del.
Identifiers: ClinVar variation 2790491 (VCV002790491.3), dbSNP rs2505888186, ClinGen allele CA2739278833.

ClinVar aggregate classification (germline): Uncertain significance (1 of 4 stars; one submission).

Submission:

Labcorp Genetics (formerly Invitae), Labcorp
Classification: Uncertain significance. Last evaluated: 2023-08-11. Review status: criteria provided, single submitter. Criteria: Invitae Variant Classification Sherloc (09022015). Collection method: clinical testing. Allele origin: germline.
Comment: This variant, c.2137_2139del, results in the deletion of 1 amino acid(s) of the NIN protein (p.Thr713del), but otherwise preserves the integrity of the reading frame. This variant is not present in population databases (gnomAD no frequency). This variant has not been reported in the literature in individuals affected with NIN-related conditions. Experimental studies and prediction algorithms are not available or were not evaluated, and the functional significance of this variant is currently unknown. In summary, the available evidence is currently insufficient to determine the role of this variant in disease. Therefore, it has been classified as a Variant of Uncertain Significance.